The following is an entry in ClinVar:

NM_001199107.2(TBC1D24):c.*3408C>T

Gene: TBC1D24 (TBC1 domain family member 24; plus strand). Cytogenetic location: 16p13.3.
Variant type: single nucleotide variant.
Coding change: c.*3408C>T on transcript NM_001199107.2 (MANE Select); 3408 bases downstream of the stop codon, C replaced by T.
Molecular consequence: 3 prime UTR variant.
Genome position (GRCh38, 1-based): chr16:2,504,366, C>T. VCF-style: chr16-2504366-C-T. GRCh37 (hg19) VCF-style: chr16-2554367-C-T.
Other names: c.*3408C>T (NM_020705.3).
Identifiers: ClinVar variation 318684 (VCV000318684.5), dbSNP rs9935554, ClinGen allele CA10648206.

ClinVar aggregate classification (germline): Benign (1 of 4 stars; one submission).

Conditions:
Familial infantile myoclonic epilepsy (FIME). Also called: TBC1D24-Related Familial Infantile Myoclonic Epilepsy (FIME); Epilepsy, Myoclonic, Infantile. Identifiers: Orphanet 352582, MedGen C0917800, MONDO:0011506, OMIM 605021.

Allele frequency attached by ClinVar (database versions not stated): TOPMed 0.00679; gnomAD 0.00642 and 0.00595; 1000 Genomes Project 30x 0.00625; 1000 Genomes Project 0.00699.

Submission:

Illumina Laboratory Services, Illumina
Classification: Benign for Familial infantile myoclonic epilepsy. Last evaluated: 2018-01-12. Review status: criteria provided, single submitter. Criteria: ICSL Variant Classification Criteria 13 December 2019. Collection method: clinical testing. Allele origin: germline.
Comment: This variant was observed in the ICSL laboratory as part of a predisposition screen in an ostensibly healthy population. It had not been previously curated by ICSL or reported in the Human Gene Mutation Database (HGMD: prior to June 1st, 2018), and was therefore a candidate for classification through an automated scoring system. Utilizing variant allele frequency, disease prevalence and penetrance estimates, and inheritance mode, an automated score was calculated to assess if this variant is too frequent to cause the disease. Based on the score and internal cut-off values, a variant classified as benign is not then subjected to further curation. The score for this variant resulted in a classification of benign for this disease.